The following is an entry in ClinVar:

ClinVar aggregate classification (germline): Uncertain significance (1 of 4 stars; one submission).

Allele frequency attached by ClinVar (database versions not stated): gnomAD exomes below 0.00001.
gnomAD v4.1: 1 of 1,613,554 alleles (0.000062%); highest among the groups gnomAD compares: Non-Finnish European, 0.000085%; no homozygotes.

Submission:

GeneDx
Classification: Uncertain significance. Last evaluated: 2024-03-30. Review status: criteria provided, single submitter. Criteria: GeneDx Variant Classification Process June 2021. Collection method: clinical testing. Allele origin: germline. Affected: yes.
Comment: Not observed at significant frequency in large population cohorts (gnomAD); In silico analysis supports that this missense variant has a deleterious effect on protein structure/function; Has not been previously published as pathogenic or benign to our knowledge

NM_005068.3(SIM1):c.827A>C (p.His276Pro)

Gene: SIM1 (SIM bHLH transcription factor 1; minus strand). Cytogenetic location: 6q16.3.
Variant type: single nucleotide variant.
Coding change: c.827A>C on transcript NM_005068.3 (MANE Select); coding-DNA position 827, A replaced by C.
Protein change: p.His276Pro; replaces histidine 276 with proline.
Molecular consequence: missense variant.
Genome position (GRCh38, 1-based): chr6:100,448,169, T>G on the plus strand (A>C on the coding strand, the complement: SIM1 is on the minus strand). VCF-style: chr6-100448169-T-G. GRCh37 (hg19) VCF-style: chr6-100896045-T-G.
Other names: c.827A>C, p.His276Pro (NM_001374769.1); short protein forms H276P.
Identifiers: ClinVar variation 1179710 (VCV001179710.3), dbSNP rs959625240, ClinGen allele CA143966439.